The following is an entry in ClinVar:

ClinVar aggregate classification (germline): Uncertain significance (1 of 4 stars; one submission).

Conditions:
Schuurs-Hoeijmakers syndrome. Also called: PACS1-Related Neurodevelopmental Disorder. Identifiers: Orphanet 329224, MedGen C3554343, MONDO:0014006, OMIM 615009.

Allele frequency attached by ClinVar (database versions not stated): gnomAD exomes below 0.00001; TOPMed 0.00001; gnomAD 0.00001; ExAC 0.00002.
gnomAD v4.1: 2 of 1,613,894 alleles (0.00012%); highest among the groups gnomAD compares: African/African-American, 0.0013%; no homozygotes.

Submission:

Labcorp Genetics (formerly Invitae), Labcorp
Classification: Uncertain significance for Schuurs-Hoeijmakers syndrome. Last evaluated: 2022-06-26. Review status: criteria provided, single submitter. Criteria: Invitae Variant Classification Sherloc (09022015). Collection method: clinical testing. Allele origin: germline.
Comment: This sequence change replaces aspartic acid, which is acidic and polar, with asparagine, which is neutral and polar, at codon 677 of the PACS1 protein (p.Asp677Asn). This variant is present in population databases (rs530357572, gnomAD 0.007%). This variant has not been reported in the literature in individuals affected with PACS1-related conditions. Algorithms developed to predict the effect of missense changes on protein structure and function are either unavailable or do not agree on the potential impact of this missense change (SIFT: "Deleterious"; PolyPhen-2: "Probably Damaging"; Align-GVGD: "Class C15"). In summary, the available evidence is currently insufficient to determine the role of this variant in disease. Therefore, it has been classified as a Variant of Uncertain Significance.

NM_018026.4(PACS1):c.2029G>A (p.Asp677Asn)

Gene: PACS1 (phosphofurin acidic cluster sorting protein 1; plus strand). Cytogenetic location: 11q13.2.
Variant type: single nucleotide variant.
Coding change: c.2029G>A on transcript NM_018026.4 (MANE Select); coding-DNA position 2029, G replaced by A.
Protein change: p.Asp677Asn; replaces aspartic acid 677 with asparagine.
Molecular consequence: missense variant.
Genome position (GRCh38, 1-based): chr11:66,234,167, G>A. VCF-style: chr11-66234167-G-A. GRCh37 (hg19) VCF-style: chr11-66001638-G-A.
Other names: short protein forms D677N.
Identifiers: ClinVar variation 2010902 (VCV002010902.4), dbSNP rs530357572, ClinGen allele CA6116753.